The following is an entry in ClinVar:

ClinVar aggregate classification (germline): Likely benign (1 of 4 stars; one submission).

Allele frequency attached by ClinVar (database versions not stated): TOPMed 0.00003; gnomAD 0.00011; gnomAD exomes 0.00021; 1000 Genomes Project 30x 0.00031; 1000 Genomes Project 0.00040; ExAC 0.00043.
gnomAD v4.1: 324 of 1,612,862 alleles (0.02%); highest among the groups gnomAD compares: South Asian, 0.32%; 2 homozygotes.

Submission:

CeGaT Center for Human Genetics Tuebingen
Classification: Likely benign. Last evaluated: 2022-07-01. Review status: criteria provided, single submitter. Criteria: CeGaT Center For Human Genetics Tuebingen Variant Classification Criteria Version 2. Collection method: clinical testing. Allele origin: germline. Affected: yes. Observed: 1 variant allele.
Comment: TRERF1: BP4, BP7

NM_001395490.1(TRERF1):c.1824C>T (p.Ala608=)

Gene: TRERF1 (transcriptional regulating factor 1; minus strand). Cytogenetic location: 6p21.1.
Variant type: single nucleotide variant.
Coding change: c.1824C>T on transcript NM_001395490.1 (MANE Select); coding-DNA position 1824, C replaced by T.
Protein change: p.Ala608=; no amino-acid change (alanine 608 retained).
Molecular consequence: synonymous variant. On other transcripts: intron variant (1).
Genome position (GRCh38, 1-based): chr6:42,263,380, G>A on the plus strand (C>T on the coding strand, the complement: TRERF1 is on the minus strand). VCF-style: chr6-42263380-G-A. GRCh37 (hg19) VCF-style: chr6-42231118-G-A.
Other names: c.1824C>T, p.Ala608= (NM_001297573.2, NM_001297574.1, NM_001391983.1 and 1 more transcripts); c.1635+1324C>T (NM_001391984.1).
Identifiers: ClinVar variation 2656551 (VCV002656551.24), dbSNP rs574595307, ClinGen allele CA3806494.